The following is an entry in ClinVar:

NM_002485.5(NBN):c.1352A>C (p.Gln451Pro)

Gene: NBN (nibrin; minus strand). Cytogenetic location: 8q21.3.
Variant type: single nucleotide variant.
Coding change: c.1352A>C on transcript NM_002485.5 (MANE Select); coding-DNA position 1352, A replaced by C.
Protein change: p.Gln451Pro; replaces glutamine 451 with proline.
Molecular consequence: missense variant.
Genome position (GRCh38, 1-based): chr8:89,955,328, T>G on the plus strand (A>C on the coding strand, the complement: NBN is on the minus strand). VCF-style: chr8-89955328-T-G. GRCh37 (hg19) VCF-style: chr8-90967556-T-G.
Other names: c.1106A>C, p.Gln369Pro (NM_001024688.3); short protein forms Q369P, Q451P.
Identifiers: ClinVar variation 818958 (VCV000818958.7), dbSNP rs1554559068, ClinGen allele CA371656048.

ClinVar aggregate classification (germline): Uncertain significance. Review status: criteria provided, multiple submitters, no conflicts (2 of 4 stars). 2 submissions from 2 submitters: Uncertain significance (2). Last evaluated 2023-08-02.

Conditions:
Microcephaly, normal intelligence and immunodeficiency (NBS). Also called: Nijmegen breakage syndrome; Microcephaly with normal intelligence immunodeficiency and lymphoreticular malignancies; Nonsyndromal microcephaly autosomal recessive with normal intelligence; Seemanova syndrome 2; Immunodeficiency, microcephaly with normal intelligence; Ataxia telangiectasia variant V1. Identifiers: Orphanet 647, MedGen C0398791, MONDO:0009623, OMIM 251260.
Hereditary cancer-predisposing syndrome. Also called: Hereditary Cancer Syndrome; Neoplastic Syndromes, Hereditary; Hereditary neoplastic syndrome; Tumor predisposition. Identifiers: Orphanet 140162, MedGen C0027672, MeSH D009386, MONDO:0015356.

Allele frequency attached by ClinVar (database versions not stated): gnomAD exomes below 0.00001.
gnomAD v4.1: 2 of 1,613,810 alleles (0.00012%); highest among the groups gnomAD compares: African/African-American, 0.0027%; no homozygotes.

Submissions (2):

Labcorp Genetics (formerly Invitae), Labcorp
Classification: Uncertain significance for Microcephaly, normal intelligence and immunodeficiency. Last evaluated: 2023-08-02. Review status: criteria provided, single submitter. Criteria: Invitae Variant Classification Sherloc (09022015). Collection method: clinical testing. Allele origin: germline.
Comment: In summary, the available evidence is currently insufficient to determine the role of this variant in disease. Therefore, it has been classified as a Variant of Uncertain Significance. An algorithm developed to predict the effect of missense changes on protein structure and function (PolyPhen-2) suggests that this variant is likely to be disruptive. ClinVar contains an entry for this variant (Variation ID: 818958). This variant has not been reported in the literature in individuals affected with NBN-related conditions. This variant is not present in population databases (gnomAD no frequency). This sequence change replaces glutamine, which is neutral and polar, with proline, which is neutral and non-polar, at codon 451 of the NBN protein (p.Gln451Pro).

Ambry Genetics
Classification: Uncertain significance for Hereditary cancer-predisposing syndrome. Last evaluated: 2019-02-04. Review status: criteria provided, single submitter. Criteria: Ambry Variant Classification Scheme 2023. Collection method: clinical testing. Allele origin: germline.
Comment: The p.Q451P variant (also known as c.1352A>C), located in coding exon 10 of the NBN gene, results from an A to C substitution at nucleotide position 1352. The glutamine at codon 451 is replaced by proline, an amino acid with similar properties. This amino acid position is well conserved in available vertebrate species. In addition, this alteration is predicted to be tolerated by in silico analysis. Since supporting evidence is limited at this time, the clinical significance of this alteration remains unclear.